The following is an entry in ClinVar:

NM_001365536.1(SCN9A):c.1678_1679insCT (p.Arg560fs)

Genes: SCN1A-AS1 (SCN1A and SCN9A antisense RNA 1; plus strand), SCN9A (sodium voltage-gated channel alpha subunit 9; minus strand). Cytogenetic location: 2q24.3.
Variant type: Insertion.
Coding change: c.1678_1679insCT on transcript NM_001365536.1 (MANE Select); coding-DNA positions 1678 to 1679, CT inserted.
Protein change: p.Arg560fs; shifts the reading frame from arginine 560.
Molecular consequence: frameshift variant.
Genome position: GRCh38 VCF-style: chr2-166284748-C-CAG. GRCh37 (hg19) VCF-style: chr2-167141258-C-CAG.
Other names: c.1678_1679insCT, p.Arg560Thrfs (NM_002977.4); short protein forms R560fs.
Identifiers: ClinVar variation 1392241 (VCV001392241.6), dbSNP rs1697657932, ClinGen allele CA1304968076.

ClinVar aggregate classification (germline): Pathogenic (1 of 4 stars; one submission).

Conditions:
Neuropathy, hereditary sensory and autonomic, type 2A (HSAN2A). Also called: HSAN IIA; WNK1-Related HSAN2 (HSAN2A); ACROOSTEOLYSIS, GIACCAI TYPE; ACROOSTEOLYSIS, NEUROGENIC; MORVAN DISEASE; NEUROPATHY, CONGENITAL SENSORY. Identifiers: Orphanet 970, MedGen C2752089, MONDO:0024309, OMIM 201300.
Generalized epilepsy with febrile seizures plus, type 7 (GEFSP7). Also called: GEFS+, TYPE 7. Identifiers: Orphanet 36387, MedGen C2751778, MONDO:0013470, OMIM 613863.

Submission:

Labcorp Genetics (formerly Invitae), Labcorp
Classification: Pathogenic for Neuropathy, hereditary sensory and autonomic, type 2A; Generalized epilepsy with febrile seizures plus, type 7. Last evaluated: 2023-06-30. Review status: criteria provided, single submitter. Criteria: Invitae Variant Classification Sherloc (09022015). Collection method: clinical testing. Allele origin: germline.
Comment: For these reasons, this variant has been classified as Pathogenic. This variant is not present in population databases (gnomAD no frequency). ClinVar contains an entry for this variant (Variation ID: 1392241). This variant has not been reported in the literature in individuals affected with SCN9A-related conditions. This sequence change creates a premature translational stop signal (p.Arg560Thrfs*6) in the SCN9A gene. It is expected to result in an absent or disrupted protein product. Loss-of-function variants in SCN9A are known to be pathogenic (PMID: 17470132, 19304393).

Literature cited by the submitters: PubMed 17470132; PubMed 19304393.